The following is an entry in ClinVar:

ClinVar aggregate classification (germline): Uncertain significance (1 of 4 stars; one submission).

gnomAD v4.1: 1 of 1,613,284 alleles (0.000062%); highest among the groups gnomAD compares: Non-Finnish European, 0.000085%; no homozygotes.

Submission:

Women's Health and Genetics/Laboratory Corporation of America, LabCorp
Classification: Uncertain significance. Last evaluated: 2023-08-29. Review status: criteria provided, single submitter. Criteria: LabCorp Variant Classification Summary - May 2015. Collection method: clinical testing. Allele origin: germline.
Comment: Variant summary: DHX30 c.2880T>G (p.Asn960Lys) results in a non-conservative amino acid change in the encoded protein sequence. Three of five in-silico tools predict a benign effect of the variant on protein function. The variant was absent in 250628 control chromosomes (gnomAD). The available data on variant occurrences in the general population are insufficient to allow any conclusion about variant significance. To our knowledge, no occurrence of c.2880T>G in individuals affected with Neurodevelopmental Disorder With Severe Motor Impairment And Absent Language and no experimental evidence demonstrating its impact on protein function have been reported. No submitters have reported clinical-significance assessments for this variant to ClinVar after 2014. Based on the evidence outlined above, the variant was classified as uncertain significance.

NM_138615.3(DHX30):c.2880T>G (p.Asn960Lys)

Gene: DHX30 (DExH-box helicase 30; plus strand). Cytogenetic location: 3p21.31.
Variant type: single nucleotide variant.
Coding change: c.2880T>G on transcript NM_138615.3 (MANE Select); coding-DNA position 2880, T replaced by G.
Protein change: p.Asn960Lys; replaces asparagine 960 with lysine.
Molecular consequence: missense variant.
Genome position (GRCh38, 1-based): chr3:47,849,030, T>G. VCF-style: chr3-47849030-T-G. GRCh37 (hg19) VCF-style: chr3-47890520-T-G.
Other names: c.2796T>G, p.Asn932Lys (NM_001330990.2); c.2763T>G, p.Asn921Lys (NM_014966.4); short protein forms N921K, N932K, N960K.
Identifiers: ClinVar variation 2581442 (VCV002581442.1), dbSNP rs2037805406, ClinGen allele CA352592746.
Genomic context (GRCh38, chr3:47,849,030, plus strand): 5'-GCGGGCTGTCGCCGGCTGGGAGGAGGTGCTGCGTTGGCAGGACCGCAGCTCCCGGGAGAA[T>G]TACCTGGAGGAAAACCTGCTGTACGCACCCAGCCTGCGCTTCATCCACGGTCAGTCGGGC-3'
Protein context (NP_619520.1, residues 950-970): LRWQDRSSRE[Asn960Lys]YLEENLLYAP